The following is an entry in ClinVar:

NM_001378452.1(ITPR1):c.1085A>G (p.Asn362Ser)

Gene: ITPR1 (inositol 1,4,5-trisphosphate receptor type 1; plus strand). Cytogenetic location: 3p26.1.
Variant type: single nucleotide variant.
Coding change: c.1085A>G on transcript NM_001378452.1 (MANE Select); coding-DNA position 1085, A replaced by G.
Protein change: p.Asn362Ser; replaces asparagine 362 with serine.
Molecular consequence: missense variant.
Genome position (GRCh38, 1-based): chr3:4,658,212, A>G. VCF-style: chr3-4658212-A-G. GRCh37 (hg19) VCF-style: chr3-4699896-A-G.
Other names: c.1085A>G, p.Asn362Ser (NM_001099952.4); c.1040A>G, p.Asn347Ser (NM_001168272.2, NM_002222.7); short protein forms N362S, N347S.
Identifiers: ClinVar variation 2015606 (VCV002015606.4), dbSNP rs2470682822, ClinGen allele CA351639769.

ClinVar aggregate classification (germline): Uncertain significance (1 of 4 stars; one submission).

Allele frequency attached by ClinVar (database versions not stated): gnomAD exomes 0.00001.
gnomAD v4.1: 8 of 1,613,694 alleles (0.0005%); highest among the groups gnomAD compares: Non-Finnish European, 0.00068%; no homozygotes.

Submission:

Labcorp Genetics (formerly Invitae), Labcorp
Classification: Uncertain significance. Last evaluated: 2025-05-30. Review status: criteria provided, single submitter. Criteria: Invitae Variant Classification Sherloc (09022015). Collection method: clinical testing. Allele origin: germline.
Comment: This sequence change replaces asparagine, which is neutral and polar, with serine, which is neutral and polar, at codon 347 of the ITPR1 protein (p.Asn347Ser). This variant is not present in population databases (gnomAD no frequency). This variant has not been reported in the literature in individuals affected with ITPR1-related conditions. ClinVar contains an entry for this variant (Variation ID: 2015606). Invitae Evidence Modeling of protein sequence and biophysical properties (such as structural, functional, and spatial information, amino acid conservation, physicochemical variation, residue mobility, and thermodynamic stability) indicates that this missense variant is not expected to disrupt ITPR1 protein function with a negative predictive value of 95%. In summary, the available evidence is currently insufficient to determine the role of this variant in disease. Therefore, it has been classified as a Variant of Uncertain Significance.